The following is an entry in ClinVar:

NM_001378615.1(CC2D2A):c.380G>A (p.Arg127Gln)

Genes: CC2D2A (coiled-coil and C2 domain containing 2A; plus strand), FBXL5 (F-box and leucine rich repeat protein 5; minus strand). Cytogenetic location: 4p15.32.
Variant type: single nucleotide variant.
Coding change: c.380G>A on transcript NM_001378615.1 (MANE Select); coding-DNA position 380, G replaced by A.
Protein change: p.Arg127Gln; replaces arginine 127 with glutamine.
Molecular consequence: missense variant.
Genome position (GRCh38, 1-based): chr4:15,502,865, G>A. VCF-style: chr4-15502865-G-A. GRCh37 (hg19) VCF-style: chr4-15504488-G-A.
Other names: c.380G>A, p.Arg127Gln (NM_001080522.2); c.233G>A, p.Arg78Gln (NM_001378617.1); short protein forms R127Q, R78Q.
Identifiers: ClinVar variation 392967 (VCV000392967.16), dbSNP rs748886997, ClinGen allele CA2863395.

ClinVar aggregate classification (germline): Conflicting classifications of pathogenicity. Review status: criteria provided, conflicting classifications (1 of 4 stars). 6 submissions from 5 submitters: Uncertain significance (4); Likely benign (1). 1 of the submissions does not count toward it. Last evaluated 2025-06-29.

Conditions:
Joubert syndrome 9 (JBTS9). Identifiers: Orphanet 2318, MedGen C2676788, MONDO:0012849, OMIM 612285.
Retinitis pigmentosa 93. Identifiers: MedGen C5676970, MONDO:0030797, OMIM 619845.
Meckel syndrome, type 6. Identifiers: Orphanet 564, MedGen C2676790, MONDO:0012848, OMIM 612284.
COACH syndrome 2. Identifiers: MedGen C5436837, MONDO:0030859, OMIM 619111.
CC2D2A-related disorder. Also called: CC2D2A-related disorders; CC2D2A-related condition. Identifiers: MedGen CN239313.
Meckel-Gruber syndrome. Also called: Dysencephalia splachnocystica; DYSENCEPHALIA SPLANCHNOCYSTICA; GRUBER SYNDROME. Identifiers: Orphanet 564, MedGen C0265215, MONDO:0018921.
Joubert syndrome. Also called: JOUBERT-BOLTSHAUSER SYNDROME; Familial aplasia of the vermis. Identifiers: Orphanet 475, MedGen C5979921, MONDO:0018772.

Allele frequency attached by ClinVar (database versions not stated): gnomAD 0.00001 and 0.00002; gnomAD exomes 0.00003 and 0.00007; TOPMed 0.00003; ExAC 0.00010.
gnomAD v4.1: 48 of 1,611,520 alleles (0.003%); highest among the groups gnomAD compares: East Asian, 0.011%; no homozygotes.

Submissions (6):

Labcorp Genetics (formerly Invitae), Labcorp
Classification: Likely benign for Joubert syndrome; Meckel-Gruber syndrome. Last evaluated: 2025-06-29. Review status: criteria provided, single submitter. Criteria: Invitae Variant Classification Sherloc (09022015). Collection method: clinical testing. Allele origin: germline.

Fulgent Genetics
Classification: Uncertain significance for Meckel syndrome, type 6; Joubert syndrome 9; COACH syndrome 2; Retinitis pigmentosa 93. Last evaluated: 2024-03-21. Review status: criteria provided, single submitter. Criteria: ACMG Guidelines, 2015. Collection method: clinical testing. Allele origin: germline.

GeneDx
Classification: Uncertain significance. Last evaluated: 2023-02-14. Review status: criteria provided, single submitter. Criteria: GeneDx Variant Classification Process June 2021. Collection method: clinical testing. Allele origin: germline. Affected: yes.
Comment: Has not been previously published as pathogenic or benign to our knowledge; Not observed at significant frequency in large population cohorts (gnomAD); In silico analysis supports that this missense variant does not alter protein structure/function

Illumina Laboratory Services, Illumina
Classification: Uncertain significance for Joubert syndrome 9. Last evaluated: 2018-03-16. Review status: criteria provided, single submitter. Criteria: ICSL Variant Classification Criteria 13 December 2019. Collection method: clinical testing. Allele origin: germline.

Illumina Laboratory Services, Illumina
Classification: Uncertain significance for Meckel syndrome, type 6. Last evaluated: 2018-03-16. Review status: criteria provided, single submitter. Criteria: ICSL Variant Classification Criteria 13 December 2019. Collection method: clinical testing. Allele origin: germline.

PreventionGenetics, part of Exact Sciences
Classification: Uncertain significance for CC2D2A-related condition. Last evaluated: 2024-06-21. Review status: no assertion criteria provided. Collection method: clinical testing. Allele origin: germline. Not counted in ClinVar's aggregate classification.
Comment: The CC2D2A c.380G>A variant is predicted to result in the amino acid substitution p.Arg127Gln. To our knowledge, this variant has not been reported in the literature. This variant is reported in 0.013% of alleles in individuals of European (non-Finnish) descent in gnomAD. At this time, the clinical significance of this variant is uncertain due to the absence of conclusive functional and genetic evidence.